The following is an entry in ClinVar:

ClinVar aggregate classification (germline): Uncertain significance (1 of 4 stars; one submission).

gnomAD v4.1: 6 of 1,614,128 alleles (0.00037%); highest among the groups gnomAD compares: South Asian, 0.0033%; no homozygotes.

Submission:

Labcorp Genetics (formerly Invitae), Labcorp
Classification: Uncertain significance. Last evaluated: 2024-08-08. Review status: criteria provided, single submitter. Criteria: Invitae Variant Classification Sherloc (09022015). Collection method: clinical testing. Allele origin: germline.
Comment: This sequence change replaces methionine, which is neutral and non-polar, with valine, which is neutral and non-polar, at codon 292 of the HOGA1 protein (p.Met292Val). This variant is present in population databases (no rsID available, gnomAD 0.004%). This variant has not been reported in the literature in individuals affected with HOGA1-related conditions. Advanced modeling of protein sequence and biophysical properties (such as structural, functional, and spatial information, amino acid conservation, physicochemical variation, residue mobility, and thermodynamic stability) performed at Invitae indicates that this missense variant is expected to disrupt HOGA1 protein function with a positive predictive value of 95%. In summary, the available evidence is currently insufficient to determine the role of this variant in disease. Therefore, it has been classified as a Variant of Uncertain Significance.

NM_138413.4(HOGA1):c.874A>G (p.Met292Val)

Gene: HOGA1 (4-hydroxy-2-oxoglutarate aldolase 1; plus strand). Cytogenetic location: 10q24.2.
Variant type: single nucleotide variant.
Coding change: c.874A>G on transcript NM_138413.4 (MANE Select); coding-DNA position 874, A replaced by G.
Protein change: p.Met292Val; replaces methionine 292 with valine.
Molecular consequence: missense variant.
Genome position (GRCh38, 1-based): chr10:97,611,549, A>G. VCF-style: chr10-97611549-A-G. GRCh37 (hg19) VCF-style: chr10-99371306-A-G.
Other names: c.385A>G, p.Met129Val (NM_001134670.2); short protein forms M129V, M292V.
Identifiers: ClinVar variation 3729807 (VCV003729807.2).
Genomic context (GRCh38, chr10:97,611,549, plus strand): 5'-CTAACAGGCCCTGCTTTGCAGGTGACCCGGCGCTTTGGGATCCCAGGGCTGAAGAAAATC[A>G]TGGACTGGTTTGGCTACTATGGAGGCCCCTGCCGCGCCCCCTTGCAGGAGCTGAGCCCCG-3'
Protein context (NP_612422.2, residues 282-302): RFGIPGLKKI[Met292Val]DWFGYYGGPC